The following is an entry in ClinVar:

NM_006080.3(SEMA3A):c.2027T>G (p.Leu676Arg)

Gene: SEMA3A (semaphorin 3A; minus strand). Cytogenetic location: 7q21.11.
Variant type: single nucleotide variant.
Coding change: c.2027T>G on transcript NM_006080.3 (MANE Select); coding-DNA position 2027, T replaced by G.
Protein change: p.Leu676Arg; replaces leucine 676 with arginine.
Molecular consequence: missense variant.
Genome position (GRCh38, 1-based): chr7:83,961,660, A>C on the plus strand (T>G on the coding strand, the complement: SEMA3A is on the minus strand). VCF-style: chr7-83961660-A-C. GRCh37 (hg19) VCF-style: chr7-83590976-A-C.
Other names: short protein forms L676R.
Identifiers: ClinVar variation 3353173 (VCV003353173.1).
Genomic context (GRCh38, chr7:83,961,660, plus strand): 5'-GTCATGCTATTGGACATTTCTTTGGTCTTAGAGCCATCTCCATCATCATCTTTATGAAGA[A>C]GTTCTTCCAAATGCTCTGTGTCAATGACTTCCAGGGTTACCTTAAGAAGAGTTTGTATGA-3'
Protein context (NP_006071.1, residues 666-686): EVIDTEHLEE[Leu676Arg]LHKDDDGDGS

ClinVar aggregate classification (germline): Uncertain significance (0 of 4 stars; one submission).

Conditions:
SEMA3A-related disorder. Also called: SEMA3A-related condition.

gnomAD v4.1: 4 of 1,613,884 alleles (0.00025%); no homozygotes.

Submission:

PreventionGenetics, part of Exact Sciences
Classification: Uncertain significance for SEMA3A-related condition. Last evaluated: 2024-03-08. Review status: no assertion criteria provided. Collection method: clinical testing. Allele origin: germline.
Comment: The SEMA3A c.2027T>G variant is predicted to result in the amino acid substitution p.Leu676Arg. To our knowledge, this variant has not been reported in the literature or in a large population database, indicating this variant is rare. At this time, the clinical significance of this variant is uncertain due to the absence of conclusive functional and genetic evidence.